The following is an entry in ClinVar:

ClinVar aggregate classification (germline): Uncertain significance (1 of 4 stars; one submission).

Conditions:
PACS1-related disorder. Also called: PACS1-related condition.

gnomAD v4.1: 1 of 1,614,192 alleles (0.000062%); highest among the groups gnomAD compares: Admixed American, 0.0017%; no homozygotes.

Submission:

PreventionGenetics, part of Exact Sciences
Classification: Uncertain significance for PACS1-related condition. Last evaluated: 2025-04-15. Review status: criteria provided, single submitter. Criteria: ACMG Guidelines, 2015. Collection method: clinical testing. Allele origin: germline.
Comment: The PACS1 c.2592T>G variant is predicted to result in the amino acid substitution p.Ser864Arg. To our knowledge, this variant has not been reported in the literature. This variant is reported in 0.0029% of alleles in individuals of Latino descent in gnomAD. At this time, the clinical significance of this variant is uncertain due to the absence of conclusive functional and genetic evidence.

NM_018026.4(PACS1):c.2592T>G (p.Ser864Arg)

Gene: PACS1 (phosphofurin acidic cluster sorting protein 1; plus strand). Cytogenetic location: 11q13.2.
Variant type: single nucleotide variant.
Coding change: c.2592T>G on transcript NM_018026.4 (MANE Select); coding-DNA position 2592, T replaced by G.
Protein change: p.Ser864Arg; replaces serine 864 with arginine.
Molecular consequence: missense variant.
Genome position (GRCh38, 1-based): chr11:66,241,589, T>G. VCF-style: chr11-66241589-T-G. GRCh37 (hg19) VCF-style: chr11-66009060-T-G.
Other names: short protein forms S864R.
Identifiers: ClinVar variation 5001201 (VCV005001201.1).